The following is an entry in ClinVar:

NM_001099274.3(TINF2):c.922G>C (p.Glu308Gln)

Gene: TINF2 (TERF1 interacting nuclear factor 2; minus strand). Cytogenetic location: 14q12.
Variant type: single nucleotide variant.
Coding change: c.922G>C on transcript NM_001099274.3 (MANE Select); coding-DNA position 922, G replaced by C.
Protein change: p.Glu308Gln; replaces glutamic acid 308 with glutamine.
Molecular consequence: missense variant.
Genome position (GRCh38, 1-based): chr14:24,240,558, C>G on the plus strand (G>C on the coding strand, the complement: TINF2 is on the minus strand). VCF-style: chr14-24240558-C-G. GRCh37 (hg19) VCF-style: chr14-24709764-C-G.
Other names: c.817G>C, p.Glu273Gln (NM_001363668.2); c.922G>C, p.Glu308Gln (NM_012461.3); short protein forms E308Q, E273Q.
Identifiers: ClinVar variation 640207 (VCV000640207.11), dbSNP rs1232383398, ClinGen allele CA389224753.
Genomic context (GRCh38, chr14:24,240,558, plus strand): 5'-ACTTCCCAGTGGAGGCTGCTCTTGTGCCCATGGCTAGGTCTGCTGTGTATATCGCATGTT[C>G]TTCCTTGCTCTCAGGCTTAGATATGACCTGGGTTGGTGAGCCGAGATTCCTAAAGGGAAA-3'
Protein context (NP_001092744.1, residues 298-318): QVISKPESKE[Glu308Gln]HAIYTADLAM

ClinVar aggregate classification (germline): Uncertain significance. Review status: criteria provided, multiple submitters, no conflicts (2 of 4 stars). 2 submissions from 2 submitters: Uncertain significance (2). Last evaluated 2024-11-27.

Conditions:
Dyskeratosis congenita. Identifiers: Orphanet 1775, MedGen C0265965, MONDO:0015780.
Dyskeratosis congenita, autosomal dominant 3. Identifiers: MedGen C3151445, MONDO:0013522, OMIM 613990.

gnomAD v4.1: 1 of 1,614,180 alleles (0.000062%); highest among the groups gnomAD compares: Admixed American, 0.0017%; no homozygotes.

Submissions (2):

Labcorp Genetics (formerly Invitae), Labcorp
Classification: Uncertain significance for Dyskeratosis congenita. Last evaluated: 2024-11-27. Review status: criteria provided, single submitter. Criteria: Invitae Variant Classification Sherloc (09022015). Collection method: clinical testing. Allele origin: germline.
Comment: This sequence change replaces glutamic acid, which is acidic and polar, with glutamine, which is neutral and polar, at codon 308 of the TINF2 protein (p.Glu308Gln). This variant is present in population databases (no rsID available, gnomAD 0.003%). This variant has not been reported in the literature in individuals affected with TINF2-related conditions. ClinVar contains an entry for this variant (Variation ID: 640207). An algorithm developed to predict the effect of missense changes on protein structure and function outputs the following: PolyPhen-2: "Possibly Damaging". The glutamine amino acid residue is found in multiple mammalian species, which suggests that this missense change does not adversely affect protein function. In summary, the available evidence is currently insufficient to determine the role of this variant in disease. Therefore, it has been classified as a Variant of Uncertain Significance.

Baylor Genetics
Classification: Uncertain significance for Dyskeratosis congenita, autosomal dominant 3. Last evaluated: 2021-10-26. Review status: criteria provided, single submitter. Criteria: ACMG Guidelines, 2015. Collection method: clinical testing. Allele origin: unknown. Affected: yes. Study: CSER-TexasKidsCanSeq.
Comment: This variant was determined to be of uncertain significance according to ACMG Guidelines, 2015 [PMID:25741868].